The following is an entry in ClinVar:

ClinVar aggregate classification (germline): Uncertain significance (1 of 4 stars; one submission).

gnomAD v4.1: 1 of 1,212,013 alleles (0.000083%); highest among the groups gnomAD compares: Non-Finnish European, 0.00011%; no homozygotes.

Submission:

GeneDx
Classification: Uncertain significance. Last evaluated: 2026-08-31. Review status: criteria provided, single submitter. Criteria: GeneDx Variant Classification Process June 2021. Collection method: clinical testing. Allele origin: germline.
Comment: Not observed at significant frequency in large population cohorts (gnomAD); In silico analysis suggests that this missense variant does not alter protein structure/function; Has not been previously published as pathogenic or benign to our knowledge

NM_003179.3(SYP):c.541C>T (p.Pro181Ser)

Gene: SYP (synaptophysin; minus strand). Cytogenetic location: Xp11.23.
Variant type: single nucleotide variant.
Coding change: c.541C>T on transcript NM_003179.3 (MANE Select); coding-DNA position 541, C replaced by T.
Protein change: p.Pro181Ser; replaces proline 181 with serine.
Molecular consequence: missense variant.
Genome position (GRCh38, 1-based): chrX:49,193,346, G>A on the plus strand (C>T on the coding strand, the complement: SYP is on the minus strand). VCF-style: chrX-49193346-G-A. GRCh37 (hg19) VCF-style: chrX-49049803-G-A.
Other names: short protein forms P181S.
Identifiers: ClinVar variation 3368205 (VCV003368205.2).